The following is an entry in ClinVar:

NM_053025.4(MYLK):c.717G>A (p.Ser239=)

Gene: MYLK (myosin light chain kinase; minus strand). Cytogenetic location: 3q21.1.
Variant type: single nucleotide variant.
Coding change: c.717G>A on transcript NM_053025.4 (MANE Select); coding-DNA position 717, G replaced by A.
Protein change: p.Ser239=; no amino-acid change (serine 239 retained).
Molecular consequence: synonymous variant.
Genome position (GRCh38, 1-based): chr3:123,737,415, C>T on the plus strand (G>A on the coding strand, the complement: MYLK is on the minus strand). VCF-style: chr3-123737415-C-T. GRCh37 (hg19) VCF-style: chr3-123456262-C-T.
Other names: c.189G>A, p.Ser63= (NM_001321309.2); c.717G>A, p.Ser239= (NM_053026.4, NM_053027.4, NM_053028.4).
Identifiers: ClinVar variation 471741 (VCV000471741.16), dbSNP rs146960026, ClinGen allele CA073492.

ClinVar aggregate classification (germline): Likely benign. Review status: criteria provided, multiple submitters, no conflicts (2 of 4 stars). 5 submissions from 5 submitters: Likely benign (4). 1 of the submissions does not count toward it. Last evaluated 2025-12-28.

Conditions:
MYLK-related disorder. Also called: MYLK-related condition.
Aortic aneurysm, familial thoracic 7 (AAT7). Also called: AORTIC DISSECTION, FAMILIAL, WITH OR WITHOUT AORTIC ANEURYSM. Identifiers: MedGen C3151077, MONDO:0013418, OMIM 613780.
Familial thoracic aortic aneurysm and aortic dissection (TAAD). Also called: Thoracic aortic aneurysms and dissections. Identifiers: Orphanet 91387, MedGen C4707243, MONDO:0019625.

Allele frequency attached by ClinVar (database versions not stated): ExAC 0.00002; gnomAD 0.00002 and 0.00003; TOPMed 0.00003; gnomAD exomes 0.00004 and 0.00006; ESP Exome Variant Server 0.00008.
gnomAD v4.1: 88 of 1,614,004 alleles (0.0055%); highest among the groups gnomAD compares: Non-Finnish European, 0.0066%; no homozygotes.

Submissions (5):

Labcorp Genetics (formerly Invitae), Labcorp
Classification: Likely benign for Aortic aneurysm, familial thoracic 7. Last evaluated: 2025-12-28. Review status: criteria provided, single submitter. Criteria: Invitae Variant Classification Sherloc (09022015). Collection method: clinical testing. Allele origin: germline.

Ambry Genetics
Classification: Likely benign for Familial thoracic aortic aneurysm and aortic dissection. Last evaluated: 2024-01-23. Review status: criteria provided, single submitter. Criteria: Ambry Variant Classification Scheme 2023. Collection method: clinical testing. Allele origin: germline.

Women's Health and Genetics/Laboratory Corporation of America, LabCorp
Classification: Likely benign. Last evaluated: 2020-10-01. Review status: criteria provided, single submitter. Criteria: LabCorp Variant Classification Summary - May 2015. Collection method: clinical testing. Allele origin: germline.

Breakthrough Genomics
Classification: Likely benign. Review status: criteria provided, single submitter. Criteria: ACMG Guidelines, 2015. Collection method: not provided. Allele origin: germline. Inheritance: Autosomal recessive inheritance. Affected: yes.

PreventionGenetics, part of Exact Sciences
Classification: Likely benign for MYLK-related condition. Last evaluated: 2024-05-02. Review status: no assertion criteria provided. Collection method: clinical testing. Allele origin: germline. Not counted in ClinVar's aggregate classification.
Comment: This variant is classified as likely benign based on ACMG/AMP sequence variant interpretation guidelines (Richards et al. 2015 PMID: 25741868, with internal and published modifications).